The following is an entry in ClinVar:

NM_001378454.1(ALMS1):c.7926T>C (p.Val2642=)

Gene: ALMS1 (ALMS1 centrosome and basal body associated protein; plus strand). Cytogenetic location: 2p13.1.
Variant type: single nucleotide variant.
Coding change: c.7926T>C on transcript NM_001378454.1 (MANE Select); coding-DNA position 7926, T replaced by C.
Protein change: p.Val2642=; no amino-acid change (valine 2642 retained).
Molecular consequence: synonymous variant.
Genome position (GRCh38, 1-based): chr2:73,489,885, T>C. VCF-style: chr2-73489885-T-C. GRCh37 (hg19) VCF-style: chr2-73717012-T-C.
Other names: c.7929T>C, p.Val2643= (NM_015120.4).
Identifiers: ClinVar variation 512836 (VCV000512836.10), dbSNP rs749406009, ClinGen allele CA1714376.

ClinVar aggregate classification (germline): Likely benign. Review status: criteria provided, multiple submitters, no conflicts (2 of 4 stars). 3 submissions from 3 submitters: Likely benign (3). Last evaluated 2025-08-11.

Conditions:
Cardiovascular phenotype. Identifiers: MedGen CN230736.
Alstrom syndrome (ALMS). Identifiers: Orphanet 64, MedGen C0268425, MONDO:0008763, OMIM 203800.

Allele frequency attached by ClinVar (database versions not stated): gnomAD exomes below 0.00001 and 0.00001; ExAC 0.00001; gnomAD 0.00001.
gnomAD v4.1: 8 of 1,614,118 alleles (0.0005%); highest among the groups gnomAD compares: African/African-American, 0.0013%; no homozygotes.

Submissions (3):

Labcorp Genetics (formerly Invitae), Labcorp
Classification: Likely benign for Alstrom syndrome. Last evaluated: 2025-08-11. Review status: criteria provided, single submitter. Criteria: Invitae Variant Classification Sherloc (09022015). Collection method: clinical testing. Allele origin: germline.

Ambry Genetics
Classification: Likely benign for Cardiovascular phenotype. Last evaluated: 2023-10-15. Review status: criteria provided, single submitter. Criteria: Ambry Variant Classification Scheme 2023. Collection method: clinical testing. Allele origin: germline.

GeneDx
Classification: Likely benign. Last evaluated: 2017-10-25. Review status: criteria provided, single submitter. Criteria: GeneDx Variant Classification (06012015). Collection method: clinical testing. Allele origin: germline. Affected: yes.
Comment: This variant is considered likely benign or benign based on one or more of the following criteria: it is a conservative change, it occurs at a poorly conserved position in the protein, it is predicted to be benign by multiple in silico algorithms, and/or has population frequency not consistent with disease.